The following is an entry in ClinVar:

ClinVar aggregate classification (germline): Uncertain significance. Review status: criteria provided, multiple submitters, no conflicts (2 of 4 stars). 2 submissions from 2 submitters: Uncertain significance (2). Last evaluated 2025-08-01.

Conditions:
Hereditary cancer-predisposing syndrome. Also called: Hereditary Cancer Syndrome; Tumor predisposition; Hereditary neoplastic syndrome; Neoplastic Syndromes, Hereditary. Identifiers: Orphanet 140162, MedGen C0027672, MeSH D009386, MONDO:0015356.
Hereditary nonpolyposis colorectal neoplasms. Identifiers: MedGen C0009405, MeSH D003123.

Submissions (2):

Ambry Genetics
Classification: Uncertain significance for Hereditary cancer-predisposing syndrome. Last evaluated: 2025-08-01. Review status: criteria provided, single submitter. Criteria: Ambry Variant Classification Scheme 2023. Collection method: clinical testing. Allele origin: germline.
Comment: The p.H316Q variant (also known as c.948C>G), located in coding exon 9 of the PMS2 gene, results from a C to G substitution at nucleotide position 948. The histidine at codon 316 is replaced by glutamine, an amino acid with highly similar properties. This amino acid position is highly conserved in available vertebrate species. In addition, the in silico prediction for this alteration is inconclusive. Based on the available evidence, the clinical significance of this variant remains unclear.

Labcorp Genetics (formerly Invitae), Labcorp
Classification: Uncertain significance for Hereditary nonpolyposis colorectal neoplasms. Last evaluated: 2024-12-09. Review status: criteria provided, single submitter. Criteria: Invitae Variant Classification Sherloc (09022015). Collection method: clinical testing. Allele origin: germline.
Comment: This sequence change replaces histidine, which is basic and polar, with glutamine, which is neutral and polar, at codon 316 of the PMS2 protein (p.His316Gln). This variant is not present in population databases (gnomAD no frequency). This missense change has been observed in individual(s) with breast cancer (PMID: 35449176). ClinVar contains an entry for this variant (Variation ID: 1417832). Invitae Evidence Modeling incorporating data from in vitro experimental studies (internal data) indicates that this missense variant is not expected to disrupt PMS2 function with a negative predictive value of 95%. In summary, the available evidence is currently insufficient to determine the role of this variant in disease. Therefore, it has been classified as a Variant of Uncertain Significance.

Literature cited by the submitters: PubMed 35449176 (cited by Labcorp Genetics (formerly Invitae), Labcorp).

NM_000535.7(PMS2):c.948C>G (p.His316Gln)

Gene: PMS2 (PMS1 homolog 2, mismatch repair system component; minus strand). Cytogenetic location: 7p22.1.
Variant type: single nucleotide variant.
Coding change: c.948C>G on transcript NM_000535.7 (MANE Select); coding-DNA position 948, C replaced by G.
Protein change: p.His316Gln; replaces histidine 316 with glutamine.
Molecular consequence: missense variant. On other transcripts: non-coding transcript variant (1).
Genome position (GRCh38, 1-based): chr7:5,992,013, G>C on the plus strand (C>G on the coding strand, the complement: PMS2 is on the minus strand). VCF-style: chr7-5992013-G-C. GRCh37 (hg19) VCF-style: chr7-6031644-G-C.
Other names: c.543C>G, p.His181Gln (NM_001322003.2, NM_001322004.2, NM_001322005.2 and 2 more transcripts); c.948C>G, p.His316Gln (NM_001322006.2, NM_001322014.2); c.630C>G, p.His210Gln (NM_001322007.2, NM_001322008.2); c.15C>G, p.His5Gln (NM_001322011.2, NM_001322012.2); c.375C>G, p.His125Gln (NM_001322013.2); c.639C>G, p.His213Gln (NM_001322015.2); c.948C>G (NM_000535.5); short protein forms H125Q, H210Q, H181Q, H316Q, H5Q, H213Q.
Identifiers: ClinVar variation 1417832 (VCV001417832.9), dbSNP rs1219573982, ClinGen allele CA366743136.